The following is an entry in ClinVar:

NM_001134363.3(RBM20):c.1610A>G (p.Asn537Ser)

Gene: RBM20 (RNA binding motif protein 20; plus strand). Cytogenetic location: 10q25.2.
Variant type: single nucleotide variant.
Coding change: c.1610A>G on transcript NM_001134363.3 (MANE Select); coding-DNA position 1610, A replaced by G.
Protein change: p.Asn537Ser; replaces asparagine 537 with serine.
Molecular consequence: missense variant.
Genome position (GRCh38, 1-based): chr10:110,797,590, A>G. VCF-style: chr10-110797590-A-G. GRCh37 (hg19) VCF-style: chr10-112557348-A-G.
Other names: short protein forms N537S.
Identifiers: ClinVar variation 2726860 (VCV002726860.3), dbSNP rs2493444846, ClinGen allele CA378390112.

ClinVar aggregate classification (germline): Uncertain significance (1 of 4 stars; one submission).

Conditions:
Dilated cardiomyopathy 1DD (CMD1DD). Identifiers: Orphanet 154, MedGen C2750995, MONDO:0013168, OMIM 613172.

Submission:

Labcorp Genetics (formerly Invitae), Labcorp
Classification: Uncertain significance for Dilated cardiomyopathy 1DD. Last evaluated: 2023-06-24. Review status: criteria provided, single submitter. Criteria: Invitae Variant Classification Sherloc (09022015). Collection method: clinical testing. Allele origin: germline.
Comment: In summary, the available evidence is currently insufficient to determine the role of this variant in disease. Therefore, it has been classified as a Variant of Uncertain Significance. Advanced modeling of protein sequence and biophysical properties (such as structural, functional, and spatial information, amino acid conservation, physicochemical variation, residue mobility, and thermodynamic stability) performed at Invitae indicates that this missense variant is not expected to disrupt RBM20 protein function. This variant has not been reported in the literature in individuals affected with RBM20-related conditions. This variant is not present in population databases (gnomAD no frequency). This sequence change replaces asparagine, which is neutral and polar, with serine, which is neutral and polar, at codon 537 of the RBM20 protein (p.Asn537Ser).